The following is an entry in ClinVar:

NM_207122.2(EXT2):c.974G>A (p.Arg325Gln)

Gene: EXT2 (exostosin glycosyltransferase 2; plus strand). Cytogenetic location: 11p11.2.
Variant type: single nucleotide variant.
Coding change: c.974G>A on transcript NM_207122.2 (MANE Select); coding-DNA position 974, G replaced by A.
Protein change: p.Arg325Gln; replaces arginine 325 with glutamine.
Molecular consequence: missense variant.
Genome position (GRCh38, 1-based): chr11:44,126,850, G>A. VCF-style: chr11-44126850-G-A. GRCh37 (hg19) VCF-style: chr11-44148400-G-A.
Other names: c.1073G>A, p.Arg358Gln (NM_000401.3); c.974G>A, p.Arg325Gln (NM_001178083.3); short protein forms R325Q, R358Q.
Identifiers: ClinVar variation 997455 (VCV000997455.11), dbSNP rs762292898, ClinGen allele CA5955066.
Genomic context (GRCh38, chr11:44,126,850, plus strand): 5'-TCTCTTGCCTCTTTGTGTTCCTGCAGGAGGCTACTTTCTGTGTGGTTCTTCGTGGAGCTC[G>A]GCTGGGCCAGGCAGTATTGAGCGATGTGTTACAAGCTGGCTGTGTCCCGGTTGTCATTGC-3'
Protein context (NP_997005.1, residues 315-335): ATFCVVLRGA[Arg325Gln]LGQAVLSDVL

ClinVar aggregate classification (germline): Uncertain significance. Review status: criteria provided, multiple submitters, no conflicts (2 of 4 stars). 3 submissions from 3 submitters: Uncertain significance (3). Last evaluated 2025-10-03.

Conditions:
Exostoses, multiple, type 2 (EXT2). Also called: Hereditary Multiple Osteochondromatosis, Type II; EXOSTOSES, MULTIPLE, TYPE II. Identifiers: Orphanet 321, MedGen C1851413, MONDO:0007586, OMIM 133701.

Allele frequency attached by ClinVar (database versions not stated): gnomAD 0.00001; gnomAD exomes 0.00003 and 0.00004; TOPMed 0.00003; ExAC 0.00006.
gnomAD v4.1: 44 of 1,614,038 alleles (0.0027%); highest among the groups gnomAD compares: Non-Finnish European, 0.0033%; no homozygotes.

Submissions (3):

Labcorp Genetics (formerly Invitae), Labcorp
Classification: Uncertain significance for Exostoses, multiple, type 2. Last evaluated: 2025-10-03. Review status: criteria provided, single submitter. Criteria: Invitae Variant Classification Sherloc (09022015). Collection method: clinical testing. Allele origin: germline.
Comment: This sequence change replaces arginine, which is basic and polar, with glutamine, which is neutral and polar, at codon 325 of the EXT2 protein (p.Arg325Gln). This variant is present in population databases (rs762292898, gnomAD 0.006%). This variant has not been reported in the literature in individuals affected with EXT2-related conditions. ClinVar contains an entry for this variant (Variation ID: 997455). Invitae Evidence Modeling of protein sequence and biophysical properties (such as structural, functional, and spatial information, amino acid conservation, physicochemical variation, residue mobility, and thermodynamic stability) has been performed for this missense variant. However, the output from this modeling did not meet the statistical confidence thresholds required to predict the impact of this variant on EXT2 protein function. In summary, the available evidence is currently insufficient to determine the role of this variant in disease. Therefore, it has been classified as a Variant of Uncertain Significance.

GeneDx
Classification: Uncertain significance. Last evaluated: 2023-06-14. Review status: criteria provided, single submitter. Criteria: GeneDx Variant Classification Process June 2021. Collection method: clinical testing. Allele origin: germline. Affected: yes.
Comment: In silico analysis supports that this missense variant has a deleterious effect on protein structure/function; Has not been previously published as pathogenic or benign to our knowledge

Baylor Genetics
Classification: Uncertain significance for Exostoses, multiple, type 2. Last evaluated: 2020-06-30. Review status: criteria provided, single submitter. Criteria: ACMG Guidelines, 2015. Collection method: clinical testing. Allele origin: paternal. Affected: yes. Study: CSER-TexasKidsCanSeq.
Comment: This variant was determined to be of uncertain significance according to ACMG Guidelines, 2015 [PMID:25741868].